The following is an entry in ClinVar:

ClinVar aggregate classification (germline): Benign/Likely benign. Review status: criteria provided, multiple submitters, no conflicts (2 of 4 stars). 2 submissions from 2 submitters: Benign (1); Likely benign (1). Last evaluated 2025-05-05.

Conditions:
Tuberous sclerosis 2 (TSC2). Identifiers: Orphanet 805, MedGen C1860707, MONDO:0013199, OMIM 613254.
Hereditary cancer-predisposing syndrome. Also called: Hereditary Cancer Syndrome; Hereditary neoplastic syndrome; Neoplastic Syndromes, Hereditary; Tumor predisposition. Identifiers: Orphanet 140162, MedGen C0027672, MeSH D009386, MONDO:0015356.

Submissions (2):

Myriad Genetics, Inc.
Classification: Benign for Tuberous sclerosis 2. Last evaluated: 2025-05-05. Review status: criteria provided, single submitter. Criteria: Myriad Autosomal Dominant, Autosomal Recessive and X-Linked Classification Criteria (2023). Collection method: clinical testing. Allele origin: unknown.
Comment: This variant is considered benign. This variant is a silent/synonymous amino acid change and it is not expected to impact splicing.

Ambry Genetics
Classification: Likely benign for Hereditary cancer-predisposing syndrome. Last evaluated: 2024-12-04. Review status: criteria provided, single submitter. Criteria: Ambry Variant Classification Scheme 2023. Collection method: clinical testing. Allele origin: germline.

NM_000548.5(TSC2):c.477G>A (p.Glu159=)

Gene: TSC2 (TSC complex subunit 2; plus strand). Cytogenetic location: 16p13.3.
Variant type: single nucleotide variant.
Coding change: c.477G>A on transcript NM_000548.5 (MANE Select); coding-DNA position 477, G replaced by A.
Protein change: p.Glu159=; no amino-acid change (glutamic acid 159 retained).
Molecular consequence: synonymous variant. On other transcripts: 5 prime UTR variant (13), missense variant (1), non-coding transcript variant (5), intron variant (6).
Genome position (GRCh38, 1-based): chr16:2,054,436, G>A. VCF-style: chr16-2054436-G-A. GRCh37 (hg19) VCF-style: chr16-2104437-G-A.
Other names: c.477G>A, p.Glu159= (NM_001077183.3, NM_001114382.3, NM_001363528.2 and 8 more transcripts); c.366G>A, p.Glu122= (NM_001318827.2, NM_001406670.1, NM_001406678.1); c.330G>A, p.Glu110= (NM_001318829.2, NM_001406675.1, NM_001406676.1 and 1 more transcripts); c.510G>A, p.Glu170= (NM_001318832.2); c.567G>A, p.Glu189= (NM_001406667.1, NM_001406668.1); c.420G>A, p.Glu140= (NM_001406677.1); c.-340G>A (NM_001406680.1, NM_001406683.1, NM_001406687.1); c.32G>A, p.Ser11Asn (NM_001406681.1); and 6 more; short protein forms S11N.
Identifiers: ClinVar variation 3462691 (VCV003462691.2).